The following is an entry in ClinVar:

NM_000186.4(CFH):c.2900G>A (p.Gly967Glu)

Gene: CFH (complement factor H; plus strand). Cytogenetic location: 1q31.3.
Variant type: single nucleotide variant.
Coding change: c.2900G>A on transcript NM_000186.4 (MANE Select); coding-DNA position 2900, G replaced by A.
Protein change: p.Gly967Glu; replaces glycine 967 with glutamic acid.
Molecular consequence: missense variant.
Genome position (GRCh38, 1-based): chr1:196,740,736, G>A. VCF-style: chr1-196740736-G-A. GRCh37 (hg19) VCF-style: chr1-196709866-G-A.
Other names: short protein forms G967E.
Identifiers: ClinVar variation 829889 (VCV000829889.12), dbSNP rs375951438, ClinGen allele CA1305776.

ClinVar aggregate classification (germline): Uncertain significance. Review status: criteria provided, multiple submitters, no conflicts (2 of 4 stars). 10 submissions from 7 submitters: Uncertain significance (9). 1 of the submissions does not count toward it. Last evaluated 2025-10-02.

Conditions:
Age related macular degeneration 4. Identifiers: MedGen C1853147, MONDO:0012540, OMIM 610698.
Inborn genetic diseases. Identifiers: MedGen C0950123, MeSH D030342.
Hemolytic uremic syndrome, atypical, susceptibility to, 1. Also called: AHUS, SUSCEPTIBILITY TO, 1. Identifiers: Orphanet 2134, Orphanet 90038, MedGen C2749604, MONDO:0009335, OMIM 235400. Disease mechanism: Other.
Factor H deficiency (CFHD). Also called: CFH DEFICIENCY; COMPLEMENT FACTOR H DEFICIENCY. Identifiers: Orphanet 200421, MedGen C0398777, MONDO:0012350, OMIM 609814.
Basal laminar drusen. Also called: DRUSEN OF BRUCH MEMBRANE; DRUSEN, CUTICULAR; DRUSEN, EARLY ADULT-ONSET, GROUPED. Identifiers: Orphanet 75376, MedGen C0730295, MONDO:0007472, OMIM 126700.

Allele frequency attached by ClinVar (database versions not stated): ExAC 0.00002; gnomAD exomes 0.00002; TOPMed 0.00002; ESP Exome Variant Server 0.00008.
gnomAD v4.1: 138 of 1,613,740 alleles (0.0086%); highest among the groups gnomAD compares: Middle Eastern, 0.016%; no homozygotes.

Submissions (10):

Genomenon, Inc
Classification: Uncertain significance for Age related macular degeneration 4. Last evaluated: 2025-10-02. Review status: criteria provided, single submitter. Criteria: Genomenon Sequence Variant Interpretation Standards - Updated. Collection method: curation. Allele origin: germline. Affected: yes.
Comment: CFH p.Gly967Glu (c.2900G>A) is a missense variant that changes the amino acid at residue 967 from Glycine to Glutamic acid. This variant has been observed in at least one proband affected with age-related macular degeneration (PMID:29686068). It is absent or not present at a significant frequency in gnomAD. In conclusion, we classify CFH p.Gly967Glu (c.2900G>A) as a variant of uncertain significance.

Labcorp Genetics (formerly Invitae), Labcorp
Classification: Uncertain significance. Last evaluated: 2025-05-08. Review status: criteria provided, single submitter. Criteria: Invitae Variant Classification Sherloc (09022015). Collection method: clinical testing. Allele origin: germline.
Comment: This sequence change replaces glycine, which is neutral and non-polar, with glutamic acid, which is acidic and polar, at codon 967 of the CFH protein (p.Gly967Glu). This variant is present in population databases (rs375951438, gnomAD 0.004%). This missense change has been observed in individual(s) with age-related macular degeneration (PMID: 29686068). ClinVar contains an entry for this variant (Variation ID: 829889). An algorithm developed to predict the effect of missense changes on protein structure and function (PolyPhen-2) suggests that this variant is likely to be disruptive. In summary, the available evidence is currently insufficient to determine the role of this variant in disease. Therefore, it has been classified as a Variant of Uncertain Significance.

Revvity Omics, Revvity
Classification: Uncertain significance. Last evaluated: 2024-12-16. Review status: criteria provided, single submitter. Criteria: ACMG Guidelines, 2015. Collection method: clinical testing. Allele origin: germline.

Blueprint Genetics
Classification: Uncertain significance. Last evaluated: 2024-08-14. Review status: criteria provided, single submitter. Criteria: ACMG Guidelines, 2015. Collection method: clinical testing. Allele origin: germline.

Ambry Genetics
Classification: Uncertain significance for Inborn genetic diseases. Last evaluated: 2024-01-04. Review status: criteria provided, single submitter. Criteria: Ambry Variant Classification Scheme 2023. Collection method: clinical testing. Allele origin: germline.

Genome-Nilou Lab
Classification: Uncertain significance for Hemolytic uremic syndrome, atypical, susceptibility to, 1. Last evaluated: 2023-04-11. Review status: criteria provided, single submitter. Criteria: ACMG Guidelines, 2015. Collection method: clinical testing. Allele origin: germline. Affected: no.

Genome-Nilou Lab
Classification: Uncertain significance for Age related macular degeneration 4. Last evaluated: 2023-04-11. Review status: criteria provided, single submitter. Criteria: ACMG Guidelines, 2015. Collection method: clinical testing. Allele origin: germline. Affected: no.

Genome-Nilou Lab
Classification: Uncertain significance for Basal laminar drusen. Last evaluated: 2023-04-11. Review status: criteria provided, single submitter. Criteria: ACMG Guidelines, 2015. Collection method: clinical testing. Allele origin: germline. Affected: no.

Genome-Nilou Lab
Classification: Uncertain significance for Factor H deficiency. Last evaluated: 2023-04-11. Review status: criteria provided, single submitter. Criteria: ACMG Guidelines, 2015. Collection method: clinical testing. Allele origin: germline. Affected: no.

Bioscientia Institut fuer Medizinische Diagnostik GmbH, Sonic Healthcare
Classification: Uncertain significance for Hemolytic uremic syndrome, atypical, susceptibility to, 1. Last evaluated: 2019-08-28. Review status: no assertion criteria provided. Collection method: clinical testing. Allele origin: germline. Affected: yes. Not counted in ClinVar's aggregate classification.

Literature cited by the submitters: PubMed 29686068 (cited by 3 submitters).